The following is an entry in ClinVar:

NM_000264.5(PTCH1):c.1083G>A (p.Gln361=)

Gene: PTCH1 (patched 1; minus strand). Cytogenetic location: 9q22.32.
Variant type: single nucleotide variant.
Coding change: c.1083G>A on transcript NM_000264.5 (MANE Select); coding-DNA position 1083, G replaced by A.
Protein change: p.Gln361=; no amino-acid change (glutamine 361 retained).
Molecular consequence: synonymous variant. On other transcripts: non-coding transcript variant (1).
Genome position (GRCh38, 1-based): chr9:95,479,132, C>T on the plus strand (G>A on the coding strand, the complement: PTCH1 is on the minus strand). VCF-style: chr9-95479132-C-T. GRCh37 (hg19) VCF-style: chr9-98241414-C-T.
Other names: c.885G>A, p.Gln295= (NM_001083602.3); c.1080G>A, p.Gln360= (NM_001083603.3); c.630G>A, p.Gln210= (NM_001083604.3, NM_001083605.3, NM_001083606.3 and 1 more transcripts); c.1083G>A, p.Gln361= (NM_001354918.2).
Identifiers: ClinVar variation 453770 (VCV000453770.17), dbSNP rs1554699269, ClinGen allele CA466122836.

ClinVar aggregate classification (germline): Conflicting classifications of pathogenicity. Review status: criteria provided, conflicting classifications (1 of 4 stars). 3 submissions from 3 submitters: Uncertain significance (1); Likely benign (2). Last evaluated 2025-05-04.

Conditions:
Hereditary cancer-predisposing syndrome. Also called: Tumor predisposition; Hereditary Cancer Syndrome; Neoplastic Syndromes, Hereditary; Hereditary neoplastic syndrome. Identifiers: Orphanet 140162, MedGen C0027672, MeSH D009386, MONDO:0015356.
Gorlin syndrome. Also called: Basal cell nevus syndrome; Nevoid Basal Cell Carcinoma Syndrome. Identifiers: Orphanet 377, MedGen C0004779, MONDO:0007187.

Allele frequency attached by ClinVar (database versions not stated): TOPMed below 0.00001; gnomAD 0.00001; gnomAD exomes 0.00001.
gnomAD v4.1: 27 of 1,613,962 alleles (0.0017%); highest among the groups gnomAD compares: Non-Finnish European, 0.0018%; no homozygotes.

Submissions (3):

Labcorp Genetics (formerly Invitae), Labcorp
Classification: Likely benign for Gorlin syndrome. Last evaluated: 2025-05-04. Review status: criteria provided, single submitter. Criteria: Invitae Variant Classification Sherloc (09022015). Collection method: clinical testing. Allele origin: germline.

GeneDx
Classification: Uncertain significance. Last evaluated: 2023-05-03. Review status: criteria provided, single submitter. Criteria: GeneDx Variant Classification Process June 2021. Collection method: clinical testing. Allele origin: germline. Affected: yes.
Comment: Not observed at significant frequency in large population cohorts (gnomAD); Has not been previously published as pathogenic or benign to our knowledge; In silico analysis suggests this variant may impact gene splicing. In the absence of RNA/functional studies, the actual effect of this sequence change is unknown.

Ambry Genetics
Classification: Likely benign for Hereditary cancer-predisposing syndrome. Last evaluated: 2019-05-01. Review status: criteria provided, single submitter. Criteria: Ambry Variant Classification Scheme 2023. Collection method: clinical testing. Allele origin: germline.